The following is an entry in ClinVar:

ClinVar aggregate classification (germline): Uncertain significance. Review status: criteria provided, multiple submitters, no conflicts (2 of 4 stars). 2 submissions from 2 submitters: Uncertain significance (2). Last evaluated 2025-12-30.

Conditions:
Gastrointestinal stromal tumor. Also called: Gastrointestinal stromal tumor, somatic; Gastrointestinal stroma tumor. Identifiers: Orphanet 44890, MedGen C0238198, MeSH D046152, MONDO:0011719, OMIM 606764, HP:0100723.
Hereditary cancer-predisposing syndrome. Also called: Hereditary neoplastic syndrome; Neoplastic Syndromes, Hereditary; Hereditary Cancer Syndrome; Tumor predisposition. Identifiers: Orphanet 140162, MedGen C0027672, MeSH D009386, MONDO:0015356.

Submissions (2):

Labcorp Genetics (formerly Invitae), Labcorp
Classification: Uncertain significance for Gastrointestinal stromal tumor. Last evaluated: 2025-12-30. Review status: criteria provided, single submitter. Criteria: Invitae Variant Classification Sherloc (09022015). Collection method: clinical testing. Allele origin: germline.
Comment: This sequence change replaces valine, which is neutral and non-polar, with phenylalanine, which is neutral and non-polar, at codon 399 of the KIT protein (p.Val399Phe). This variant is not present in population databases (gnomAD no frequency). This variant has not been reported in the literature in individuals affected with KIT-related conditions. ClinVar contains an entry for this variant (Variation ID: 937100). An algorithm developed to predict the effect of missense changes on protein structure and function (PolyPhen-2) suggests that this variant is likely to be disruptive. In summary, the available evidence is currently insufficient to determine the role of this variant in disease. Therefore, it has been classified as a Variant of Uncertain Significance.

Ambry Genetics
Classification: Uncertain significance for Hereditary cancer-predisposing syndrome. Last evaluated: 2021-08-07. Review status: criteria provided, single submitter. Criteria: Ambry Variant Classification Scheme 2023. Collection method: clinical testing. Allele origin: germline.
Comment: The p.V399F variant (also known as c.1195G>T), located in coding exon 7 of the KIT gene, results from a G to T substitution at nucleotide position 1195. The valine at codon 399 is replaced by phenylalanine, an amino acid with highly similar properties. This amino acid position is conserved. In addition, this alteration is predicted to be tolerated by in silico analysis. Since supporting evidence is limited at this time, the clinical significance of this alteration remains unclear.

NM_000222.3(KIT):c.1195G>T (p.Val399Phe)

Gene: KIT (KIT proto-oncogene, receptor tyrosine kinase; plus strand). Cytogenetic location: 4q12.
Variant type: single nucleotide variant.
Coding change: c.1195G>T on transcript NM_000222.3 (MANE Select); coding-DNA position 1195, G replaced by T.
Protein change: p.Val399Phe; replaces valine 399 with phenylalanine.
Molecular consequence: missense variant.
Genome position (GRCh38, 1-based): chr4:54,709,503, G>T. VCF-style: chr4-54709503-G-T. GRCh37 (hg19) VCF-style: chr4-55575669-G-T.
Other names: c.1195G>T, p.Val399Phe (NM_001093772.2, NM_001385285.1, NM_001385286.1); c.1198G>T, p.Val400Phe (NM_001385284.1, NM_001385288.1, NM_001385290.1 and 1 more transcripts); short protein forms V399F, V400F.
Identifiers: ClinVar variation 937100 (VCV000937100.12), dbSNP rs143707288, ClinGen allele CA356902510.
Genomic context (GRCh38, chr4:54,709,503, plus strand): 5'-CTAACGAGATTAAAAGGCACCGAAGGAGGCACTTACACATTCCTAGTGTCCAATTCTGAC[G>T]TCAATGCTGCCATAGCATTTAATGTTTATGTGAATAGTAAGTAACATGAAGGGCTCCTTT-3'
Protein context (NP_000213.1, residues 389-409): TYTFLVSNSD[Val399Phe]NAAIAFNVYV